The following is an entry in ClinVar:

NM_002972.4(SBF1):c.2494C>T (p.Arg832Cys)

Gene: SBF1 (SET binding factor 1; minus strand). Cytogenetic location: 22q13.33.
Variant type: single nucleotide variant.
Coding change: c.2494C>T on transcript NM_002972.4 (MANE Select); coding-DNA position 2494, C replaced by T.
Protein change: p.Arg832Cys; replaces arginine 832 with cysteine.
Molecular consequence: missense variant.
Genome position (GRCh38, 1-based): chr22:50,462,022, G>A on the plus strand (C>T on the coding strand, the complement: SBF1 is on the minus strand). VCF-style: chr22-50462022-G-A. GRCh37 (hg19) VCF-style: chr22-50900451-G-A.
Other names: c.2497C>T, p.Arg833Cys (NM_001365819.1, NM_001410794.1); c.2494C>T, p.Arg832Cys (NM_001410795.1, NM_197971.1); c.2494C>T (NM_002972.2); short protein forms R832C, R833C.
Identifiers: ClinVar variation 1957144 (VCV001957144.3), dbSNP rs775377891, ClinGen allele CA10317185.
Genomic context (GRCh38, chr22:50,462,022, plus strand): 5'-GCAGCCCCTTGAGGTGGTCGCTGGTGACCCCACTCTCCGTGCAGACCTTGTCCACAAAGC[G>A]GTTGATGAAGCGGACCACAGCCCCAGCTACGTCGCAGGTCTCTGCATCCTCGAAGCCGCT-3'
Protein context (NP_002963.2, residues 822-842): VAGAVVRFIN[Arg832Cys]FVDKVCTESG

ClinVar aggregate classification (germline): Uncertain significance. Review status: criteria provided, multiple submitters, no conflicts (2 of 4 stars). 2 submissions from 2 submitters: Uncertain significance (2). Last evaluated 2025-06-06.

Allele frequency attached by ClinVar (database versions not stated): gnomAD exomes 0.00001; TOPMed below 0.00001; ExAC 0.00001.
gnomAD v4.1: 12 of 1,614,232 alleles (0.00074%); highest among the groups gnomAD compares: South Asian, 0.0033%; no homozygotes.

Submissions (2):

Ambry Genetics
Classification: Uncertain significance. Last evaluated: 2025-06-06. Review status: criteria provided, single submitter. Criteria: Ambry Variant Classification Scheme 2023. Collection method: clinical testing. Allele origin: germline.

Labcorp Genetics (formerly Invitae), Labcorp
Classification: Uncertain significance. Last evaluated: 2022-08-13. Review status: criteria provided, single submitter. Criteria: Invitae Variant Classification Sherloc (09022015). Collection method: clinical testing. Allele origin: germline.
Comment: This sequence change replaces arginine, which is basic and polar, with cysteine, which is neutral and slightly polar, at codon 832 of the SBF1 protein (p.Arg832Cys). This variant is present in population databases (rs775377891, gnomAD 0.003%). This variant has not been reported in the literature in individuals affected with SBF1-related conditions. Algorithms developed to predict the effect of missense changes on protein structure and function are either unavailable or do not agree on the potential impact of this missense change (SIFT: "Deleterious"; PolyPhen-2: "Probably Damaging"; Align-GVGD: "Class C0"). In summary, the available evidence is currently insufficient to determine the role of this variant in disease. Therefore, it has been classified as a Variant of Uncertain Significance.